The following is an entry in ClinVar:

NM_004836.7(EIF2AK3):c.1259A>C (p.Glu420Ala)

Gene: EIF2AK3 (eukaryotic translation initiation factor 2 alpha kinase 3; minus strand). Cytogenetic location: 2p11.2.
Variant type: single nucleotide variant.
Coding change: c.1259A>C on transcript NM_004836.7 (MANE Select); coding-DNA position 1259, A replaced by C.
Protein change: p.Glu420Ala; replaces glutamic acid 420 with alanine.
Molecular consequence: missense variant.
Genome position (GRCh38, 1-based): chr2:88,588,808, T>G on the plus strand (A>C on the coding strand, the complement: EIF2AK3 is on the minus strand). VCF-style: chr2-88588808-T-G. GRCh37 (hg19) VCF-style: chr2-88888326-T-G.
Other names: c.806A>C, p.Glu269Ala (NM_001313915.2); short protein forms E269A, E420A.
Identifiers: ClinVar variation 4774246 (VCV004774246.1).

ClinVar aggregate classification (germline): Uncertain significance (1 of 4 stars; one submission).

Submission:

Labcorp Genetics (formerly Invitae), Labcorp
Classification: Uncertain significance. Last evaluated: 2025-06-24. Review status: criteria provided, single submitter. Criteria: Invitae Variant Classification Sherloc (09022015). Collection method: clinical testing. Allele origin: germline.
Comment: This sequence change replaces glutamic acid, which is acidic and polar, with alanine, which is neutral and non-polar, at codon 420 of the EIF2AK3 protein (p.Glu420Ala). This variant is not present in population databases (gnomAD no frequency). This variant has not been reported in the literature in individuals affected with EIF2AK3-related conditions. An algorithm developed to predict the effect of missense changes on protein structure and function (PolyPhen-2) suggests that this variant is likely to be tolerated. In summary, the available evidence is currently insufficient to determine the role of this variant in disease. Therefore, it has been classified as a Variant of Uncertain Significance.